The following is an entry in ClinVar:

ClinVar aggregate classification (germline): Pathogenic (1 of 4 stars; one submission).

Conditions:
Fanconi anemia complementation group O. Also called: RAD51C-Related Fanconi Anemia. Identifiers: Orphanet 84, MedGen C3150653, MONDO:0013248, OMIM 613390.

Submission:

Labcorp Genetics (formerly Invitae), Labcorp
Classification: Pathogenic for Fanconi anemia complementation group O. Last evaluated: 2025-08-11. Review status: criteria provided, single submitter. Criteria: Invitae Variant Classification Sherloc (09022015). Collection method: clinical testing. Allele origin: germline.
Comment: This sequence change creates a premature translational stop signal (p.Glu146*) in the RAD51C gene. It is expected to result in an absent or disrupted protein product. Loss-of-function variants in RAD51C are known to be pathogenic (PMID: 20400964, 21990120, 24800917, 29278735). This variant is not present in population databases (gnomAD no frequency). This variant has not been reported in the literature in individuals affected with RAD51C-related conditions. Algorithms developed to predict the effect of sequence changes on RNA splicing suggest that this variant may disrupt the consensus splice site. For these reasons, this variant has been classified as Pathogenic.

Literature cited by the submitters: PubMed 20400964; PubMed 21990120; PubMed 24800917; PubMed 29278735.

NM_058216.3(RAD51C):c.436G>T (p.Glu146Ter)

Gene: RAD51C (RAD51 paralog C; plus strand). Cytogenetic location: 17q22.
Variant type: single nucleotide variant.
Coding change: c.436G>T on transcript NM_058216.3 (MANE Select); coding-DNA position 436, G replaced by T.
Protein change: p.Glu146Ter; replaces glutamic acid 146 with a stop codon.
Molecular consequence: nonsense.
Genome position (GRCh38, 1-based): chr17:58,696,724, G>T. VCF-style: chr17-58696724-G-T. GRCh37 (hg19) VCF-style: chr17-56774085-G-T.
Other names: short protein forms E146*.
Identifiers: ClinVar variation 4725246 (VCV004725246.1).